The following is an entry in ClinVar:

ClinVar aggregate classification (germline): Uncertain significance (1 of 4 stars; one submission).

Submission:

Dasa
Classification: Uncertain significance. Last evaluated: 2024-07-22. Review status: criteria provided, single submitter. Criteria: DASA Assertion Criteria. Collection method: clinical testing. Allele origin: germline.
Comment: NM_004606.5(TAF1):c.4132C>T (p.Arg1378Cys) is a missense variant that results in the substitution of arginine with cysteine. This variant is absent from population databases. Computational prediction algorithms are consistent with a benign effect. The currently available literature and clinical evidence are not sufficient to establish a definitive association between this variant and the reported condition. Therefore, this variant is classified as a variant of uncertain significance.

NM_004606.5(TAF1):c.4132C>T (p.Arg1378Cys)

Gene: TAF1 (TATA-box binding protein associated factor 1; plus strand). Cytogenetic location: Xq13.1.
Variant type: single nucleotide variant.
Coding change: c.4132C>T on transcript NM_004606.5 (MANE Select); coding-DNA position 4132, C replaced by T.
Protein change: p.Arg1378Cys; replaces arginine 1378 with cysteine.
Molecular consequence: missense variant. On other transcripts: non-coding transcript variant (9).
Genome position (GRCh38, 1-based): chrX:71,407,598, C>T. VCF-style: chrX-71407598-C-T. GRCh37 (hg19) VCF-style: chrX-70627448-C-T.
Other names: c.4132C>T, p.Arg1378Cys (NM_001286074.2, NM_001440852.1, NM_001440853.1); c.4069C>T, p.Arg1357Cys (NM_001440854.1, NM_138923.4); short protein forms R1357C, R1378C.
Identifiers: ClinVar variation 4882406 (VCV004882406.2).